The following is an entry in ClinVar:

ClinVar aggregate classification (germline): Uncertain significance (1 of 4 stars; one submission).

Allele frequency attached by ClinVar (database versions not stated): gnomAD exomes below 0.00001.
gnomAD v4.1: 1 of 1,614,230 alleles (0.000062%); highest among the groups gnomAD compares: South Asian, 0.0011%; no homozygotes.

Submission:

Labcorp Genetics (formerly Invitae), Labcorp
Classification: Uncertain significance. Last evaluated: 2023-01-24. Review status: criteria provided, single submitter. Criteria: Invitae Variant Classification Sherloc (09022015). Collection method: clinical testing. Allele origin: germline.
Comment: This variant is not present in population databases (gnomAD no frequency). This variant has not been reported in the literature in individuals affected with SLC16A1-related conditions. Algorithms developed to predict the effect of missense changes on protein structure and function (SIFT, PolyPhen-2, Align-GVGD) all suggest that this variant is likely to be tolerated. In summary, the available evidence is currently insufficient to determine the role of this variant in disease. Therefore, it has been classified as a Variant of Uncertain Significance. This sequence change replaces glutamic acid, which is acidic and polar, with aspartic acid, which is acidic and polar, at codon 241 of the SLC16A1 protein (p.Glu241Asp).

NM_003051.4(SLC16A1):c.723G>T (p.Glu241Asp)

Gene: SLC16A1 (solute carrier family 16 member 1; minus strand). Cytogenetic location: 1p13.2.
Variant type: single nucleotide variant.
Coding change: c.723G>T on transcript NM_003051.4 (MANE Select); coding-DNA position 723, G replaced by T.
Protein change: p.Glu241Asp; replaces glutamic acid 241 with aspartic acid.
Molecular consequence: missense variant.
Genome position (GRCh38, 1-based): chr1:112,917,683, C>A on the plus strand (G>T on the coding strand, the complement: SLC16A1 is on the minus strand). VCF-style: chr1-112917683-C-A. GRCh37 (hg19) VCF-style: chr1-113460305-C-A.
Other names: c.723G>T, p.Glu241Asp (NM_001166496.2); short protein forms E241D.
Identifiers: ClinVar variation 2831753 (VCV002831753.3), dbSNP rs2525088341, ClinGen allele CA341828358.